The following is an entry in ClinVar:

ClinVar aggregate classification (germline): Uncertain significance (1 of 4 stars; one submission).

Submission:

Greenwood Genetic Center Diagnostic Laboratories, Greenwood Genetic Center
Classification: Uncertain significance. Last evaluated: 2021-08-06. Review status: criteria provided, single submitter. Criteria: ACMG Guidelines, 2015. Collection method: clinical testing. Allele origin: germline. Affected: yes.
Comment: BP4, PS2, PM2

NM_005883.3(APC2):c.4274G>A (p.Arg1425Lys)

Gene: APC2 (APC regulator of WNT signaling pathway 2; plus strand). Cytogenetic location: 19p13.3.
Variant type: single nucleotide variant.
Coding change: c.4274G>A on transcript NM_005883.3 (MANE Select); coding-DNA position 4274, G replaced by A.
Protein change: p.Arg1425Lys; replaces arginine 1425 with lysine.
Molecular consequence: missense variant.
Genome position (GRCh38, 1-based): chr19:1,467,575, G>A. VCF-style: chr19-1467575-G-A. GRCh37 (hg19) VCF-style: chr19-1467574-G-A.
Other names: c.4271G>A, p.Arg1424Lys (NM_001351273.1); short protein forms R1424K, R1425K.
Identifiers: ClinVar variation 1334552 (VCV001334552.4), dbSNP rs1568181563, ClinGen allele CA403035184.
Genomic context (GRCh38, chr19:1,467,575, plus strand): 5'-CGCTCAGCGACGAGACGCTGCAGGGACCCCCCAGGGACCAGCCCGGGGGACCAGCGGGCA[G>A]GCAAAGACCCACCGGCCGCCCCACCTCTGCCAGACAGGCCATGGGGCACCGGCACAAGGC-3'
Protein context (NP_005874.1, residues 1415-1435): PRDQPGGPAG[Arg1425Lys]QRPTGRPTSA